The following is an entry in ClinVar:

NC_000014.8:g.(?_58949211)_(58949450_?)dup

Gene: KIAA0586 (KIAA0586; plus strand). Cytogenetic location: 14q23.1.
Variant type: Duplication.
Identifiers: ClinVar variation 2424014 (VCV002424014.4).

ClinVar aggregate classification (germline): Likely pathogenic (1 of 4 stars; one submission).

Conditions:
Joubert syndrome 23 (JBTS23). Identifiers: Orphanet 475, MedGen C4084822, MONDO:0014664, OMIM 616490.
Short-rib thoracic dysplasia 14 with polydactyly (SRTD14). Identifiers: Orphanet 397715, MedGen C4225286, MONDO:0014688, OMIM 616546.

Submission:

Labcorp Genetics (formerly Invitae), Labcorp
Classification: Likely pathogenic for Joubert syndrome 23; Short-rib thoracic dysplasia 14 with polydactyly. Last evaluated: 2021-12-01. Review status: criteria provided, single submitter. Criteria: Invitae Variant Classification Sherloc (09022015). Collection method: clinical testing. Allele origin: germline.
Comment: In summary, the currently available evidence indicates that the variant is pathogenic, but additional data are needed to prove that conclusively. Therefore, this variant has been classified as Likely Pathogenic. This variant has not been reported in the literature in individuals affected with KIAA0586-related conditions. This variant results in a copy number gain of the genomic region encompassing exon(s) 23 of the KIAA0586 gene. While the exact position of this variant cannot be determined from the data, sub-genic copy number gains are generally in tandem (PMID: 25640679). This variant is predicted to be out-of-frame, and may result in an absent or disrupted protein product. Loss-of-function variants in KIAA0586 are known to be pathogenic (PMID: 26096313, 26166481, 26386044).

Literature cited by the submitters: PubMed 25640679; PubMed 26096313; PubMed 26166481; PubMed 26386044.